The following is an entry in ClinVar:

ClinVar aggregate classification (germline): Uncertain significance. Review status: criteria provided, multiple submitters, no conflicts (2 of 4 stars). 2 submissions from 2 submitters: Uncertain significance (2). Last evaluated 2025-07-28.

Allele frequency attached by ClinVar (database versions not stated): gnomAD 0.00001; gnomAD exomes below 0.00001; TOPMed 0.00002.
gnomAD v4.1: 1 of 1,609,910 alleles (0.000062%); highest among the groups gnomAD compares: Non-Finnish European, 0.000085%; no homozygotes.

Submissions (2):

Dasa
Classification: Uncertain significance. Last evaluated: 2025-07-28. Review status: criteria provided, single submitter. Criteria: DASA Assertion Criteria. Collection method: clinical testing. Allele origin: germline.
Comment: NM_001267550.2(TTN):c.60876G>C (p.Trp20292Cys) is a missense variant that results in the substitution of tryptophan with cysteine. This variant is rare in population databases. Computational prediction algorithms are consistent with a deleterious effect. The currently available literature and clinical evidence are not sufficient to establish a definitive association between this variant and the reported condition. Therefore, this variant is classified as a variant of uncertain significance.

Laboratory for Molecular Medicine, Mass General Brigham Personalized Medicine
Classification: Uncertain significance. Last evaluated: 2012-11-09. Review status: criteria provided, single submitter. Criteria: LMM Criteria. Collection method: clinical testing. Allele origin: germline. Observed: 1 variant allele.
Comment: The Trp17724Cys variant in TTN has not been reported in the literature nor previ ously identified by our laboratory or in large and broad European American and A frican American populations by the NHLBI Exome Sequencing Project (.). This low frequency is insufficient to determine its clini cal significance. Computational analyses (biochemical amino acid properties, con servation, AlignGVGD, PolyPhen2, and SIFT) suggest that the change to cysteine ( Cys) may impact the protein, though this information is not predictive enough to determine pathogenicity. Additional information is needed to fully assess the c linical significance of the Trp17724Cys variant.

NM_001267550.2(TTN):c.60876G>C (p.Trp20292Cys)

Genes: TTN (titin; minus strand), TTN-AS1 (TTN antisense RNA 1; plus strand). Cytogenetic location: 2q31.2.
Variant type: single nucleotide variant.
Coding change: c.60876G>C on transcript NM_001267550.2 (MANE Select); coding-DNA position 60876, G replaced by C.
Protein change: p.Trp20292Cys; replaces tryptophan 20292 with cysteine.
Molecular consequence: missense variant.
Genome position (GRCh38, 1-based): chr2:178,590,849, C>G on the plus strand (G>C on the coding strand, the complement: TTN is on the minus strand). VCF-style: chr2-178590849-C-G. GRCh37 (hg19) VCF-style: chr2-179455576-C-G.
Other names: c.53172G>C, p.Trp17724Cys (NM_133378.4); c.55953G>C, p.Trp18651Cys (NM_001256850.1); c.33681G>C, p.Trp11227Cys (NM_003319.4); c.34056G>C, p.Trp11352Cys (NM_133432.3); c.34257G>C, p.Trp11419Cys (NM_133437.4); short protein forms W20292C, W17724C, W11227C, W11352C, W18651C, W11419C.
Identifiers: ClinVar variation 47167 (VCV000047167.7), dbSNP rs397517647, ClinGen allele CA140200.